The following is an entry in ClinVar:

NM_001042492.3(NF1):c.2819C>T (p.Thr940Ile)

Gene: NF1 (neurofibromin 1; plus strand). Cytogenetic location: 17q11.2.
Variant type: single nucleotide variant.
Coding change: c.2819C>T on transcript NM_001042492.3 (MANE Select); coding-DNA position 2819, C replaced by T.
Protein change: p.Thr940Ile; replaces threonine 940 with isoleucine.
Molecular consequence: missense variant.
Genome position (GRCh38, 1-based): chr17:31,229,434, C>T. VCF-style: chr17-31229434-C-T. GRCh37 (hg19) VCF-style: chr17-29556452-C-T.
Other names: c.2819C>T, p.Thr940Ile (NM_000267.4); short protein forms T940I.
Identifiers: ClinVar variation 3878981 (VCV003878981.1).

ClinVar aggregate classification (germline): Uncertain significance (1 of 4 stars; one submission).

Conditions:
Cardiovascular phenotype. Identifiers: MedGen CN230736.
Hereditary cancer-predisposing syndrome. Also called: Tumor predisposition; Neoplastic Syndromes, Hereditary; Hereditary Cancer Syndrome; Hereditary neoplastic syndrome. Identifiers: Orphanet 140162, MedGen C0027672, MeSH D009386, MONDO:0015356.

gnomAD v4.1: 1 of 1,613,854 alleles (0.000062%); highest among the groups gnomAD compares: Non-Finnish European, 0.000085%; no homozygotes.

Submission:

Ambry Genetics
Classification: Uncertain significance for Cardiovascular phenotype; Hereditary cancer-predisposing syndrome. Last evaluated: 2025-02-12. Review status: criteria provided, single submitter. Criteria: Ambry Variant Classification Scheme 2023. Collection method: clinical testing. Allele origin: germline.
Comment: The p.T940I variant (also known as c.2819C>T), located in coding exon 21 of the NF1 gene, results from a C to T substitution at nucleotide position 2819. The threonine at codon 940 is replaced by isoleucine, an amino acid with similar properties. This amino acid position is not well conserved in available vertebrate species. In addition, this alteration is predicted to be tolerated by in silico analysis. Based on the available evidence, the clinical significance of this variant remains unclear.